The following is an entry in ClinVar:

NM_000361.3(THBD):c.1166T>C (p.Val389Ala)

Gene: THBD (thrombomodulin; minus strand). Cytogenetic location: 20p11.21.
Variant type: single nucleotide variant.
Coding change: c.1166T>C on transcript NM_000361.3 (MANE Select); coding-DNA position 1166, T replaced by C.
Protein change: p.Val389Ala; replaces valine 389 with alanine.
Molecular consequence: missense variant.
Genome position (GRCh38, 1-based): chr20:23,048,339, A>G on the plus strand (T>C on the coding strand, the complement: THBD is on the minus strand). VCF-style: chr20-23048339-A-G. GRCh37 (hg19) VCF-style: chr20-23028976-A-G.
Other names: short protein forms V389A.
Identifiers: ClinVar variation 1979639 (VCV001979639.4), dbSNP rs1416770048, ClinGen allele CA408406119.
Genomic context (GRCh38, chr20:23,048,339, plus strand): 5'-TTGCAAAACATCTGGCACCTGTGCGGCTCGTGGGGAATGGGCGCGAAGCCCTCGGCGCAG[A>G]CGCAGAGGTAGCTAGTTTGGTTCAGGGGCTGGCACTGGTACTCGCAGTTGGCTCTGAAGC-3'
Protein context (NP_000352.1, residues 379-399): QPLNQTSYLC[Val389Ala]CAEGFAPIPH

ClinVar aggregate classification (germline): Uncertain significance (1 of 4 stars; one submission).

Allele frequency attached by ClinVar (database versions not stated): gnomAD 0.00001; gnomAD exomes 0.00001; TOPMed 0.00002.

Submission:

Labcorp Genetics (formerly Invitae), Labcorp
Classification: Uncertain significance. Last evaluated: 2022-09-24. Review status: criteria provided, single submitter. Criteria: Invitae Variant Classification Sherloc (09022015). Collection method: clinical testing. Allele origin: germline.
Comment: This sequence change replaces valine, which is neutral and non-polar, with alanine, which is neutral and non-polar, at codon 389 of the THBD protein (p.Val389Ala). This variant is present in population databases (no rsID available, gnomAD 0.003%). This variant has not been reported in the literature in individuals affected with THBD-related conditions. Advanced modeling of protein sequence and biophysical properties (such as structural, functional, and spatial information, amino acid conservation, physicochemical variation, residue mobility, and thermodynamic stability) performed at Invitae indicates that this missense variant is not expected to disrupt THBD protein function. In summary, the available evidence is currently insufficient to determine the role of this variant in disease. Therefore, it has been classified as a Variant of Uncertain Significance.